The following is an entry in ClinVar:

NM_182915.3(STEAP3):c.1215+2650C>A

Gene: STEAP3 (STEAP3 metalloreductase; plus strand). Cytogenetic location: 2q14.2.
Variant type: single nucleotide variant.
Coding change: c.1215+2650C>A on transcript NM_182915.3 (MANE Select); 2650 bases into the intron after coding-DNA position 1215, C replaced by A.
Molecular consequence: intron variant. On other transcripts: synonymous variant (1).
Genome position (GRCh38, 1-based): chr2:119,257,498, C>A. VCF-style: chr2-119257498-C-A. GRCh37 (hg19) VCF-style: chr2-120015074-C-A.
Other names: c.1227C>A, p.Thr409= (NM_138637.3); c.1185+2650C>A (NM_018234.3, NM_001008410.2).
Identifiers: ClinVar variation 3352850 (VCV003352850.1).
Genomic context (GRCh38, chr2:119,257,498, plus strand): 5'-ATAGGTGCGCATGCCGCAGTGTGTGGCAACTTCCAGTGCAGGAAACACAGGCAGTGGAAC[C>A]CGAAGACCTGAATCTCAGTCCCAAGACCCCCACTTACCTGCCCCGCATCATCAGACAAGT-3'

ClinVar aggregate classification (germline): Likely benign (0 of 4 stars; one submission).

Conditions:
STEAP3-related disorder. Also called: STEAP3-related condition.

Submission:

PreventionGenetics, part of Exact Sciences
Classification: Likely benign for STEAP3-related condition. Last evaluated: 2024-08-08. Review status: no assertion criteria provided. Collection method: clinical testing. Allele origin: germline.
Comment: This variant is classified as likely benign based on ACMG/AMP sequence variant interpretation guidelines (Richards et al. 2015 PMID: 25741868, with internal and published modifications).